The following is an entry in ClinVar:

NM_001354483.2(CSGALNACT1):c.676C>T (p.Leu226Phe)

Gene: CSGALNACT1 (chondroitin sulfate N-acetylgalactosaminyltransferase 1; minus strand). Cytogenetic location: 8p21.3.
Variant type: single nucleotide variant.
Coding change: c.676C>T on transcript NM_001354483.2 (MANE Select); coding-DNA position 676, C replaced by T.
Protein change: p.Leu226Phe; replaces leucine 226 with phenylalanine.
Molecular consequence: missense variant. On other transcripts: non-coding transcript variant (7).
Genome position (GRCh38, 1-based): chr8:19,458,601, G>A on the plus strand (C>T on the coding strand, the complement: CSGALNACT1 is on the minus strand). VCF-style: chr8-19458601-G-A. GRCh37 (hg19) VCF-style: chr8-19316112-G-A.
Other names: c.676C>T, p.Leu226Phe (NM_001130518.2, NM_001354489.2, NM_001354490.2 and 18 more transcripts); c.676C>T (NM_001130518.1); short protein forms L226F.
Identifiers: ClinVar variation 1595780 (VCV001595780.9), dbSNP rs147069782, ClinGen allele CA4654151.

ClinVar aggregate classification (germline): Likely benign. Review status: criteria provided, multiple submitters, no conflicts (2 of 4 stars). 2 submissions from 2 submitters: Likely benign (2). Last evaluated 2025-10-21.

Conditions:
CSGALNACT1-related disorder. Also called: CSGALNACT1-related condition.

Allele frequency attached by ClinVar (database versions not stated): gnomAD exomes 0.00013 and 0.00041; ExAC 0.00057; gnomAD 0.00143 and 0.00150; TOPMed 0.00166; 1000 Genomes Project 0.00180; ESP Exome Variant Server 0.00185; 1000 Genomes Project 30x 0.00187.

Submissions (2):

PreventionGenetics, part of Exact Sciences
Classification: Likely benign for CSGALNACT1-related condition. Last evaluated: 2025-10-21. Review status: criteria provided, single submitter. Criteria: ACMG Guidelines, 2015. Collection method: clinical testing. Allele origin: germline.
Comment: This variant is classified as likely benign based on ACMG/AMP sequence variant interpretation guidelines (Richards et al. 2015 PMID: 25741868, with internal and published modifications).

Labcorp Genetics (formerly Invitae), Labcorp
Classification: Likely benign. Last evaluated: 2025-10-01. Review status: criteria provided, single submitter. Criteria: Invitae Variant Classification Sherloc (09022015). Collection method: clinical testing. Allele origin: germline.